The following is an entry in ClinVar:

ClinVar aggregate classification (germline): Likely benign (1 of 4 stars; one submission).

gnomAD v4.1: 4 of 1,612,124 alleles (0.00025%); highest among the groups gnomAD compares: African/African-American, 0.0013%; no homozygotes.

Submission:

CeGaT Center for Human Genetics Tuebingen
Classification: Likely benign. Last evaluated: 2024-09-01. Review status: criteria provided, single submitter. Criteria: CeGaT Center For Human Genetics Tuebingen Variant Classification Criteria Version 2. Collection method: clinical testing. Allele origin: germline. Affected: yes. Observed: 1 variant allele.
Comment: COLEC10: BP4, BP7

NM_006438.5(COLEC10):c.372C>T (p.Tyr124=)

Gene: COLEC10 (collectin subfamily member 10; plus strand). Cytogenetic location: 8q24.12.
Variant type: single nucleotide variant.
Coding change: c.372C>T on transcript NM_006438.5 (MANE Select); coding-DNA position 372, C replaced by T.
Protein change: p.Tyr124=; no amino-acid change (tyrosine 124 retained).
Molecular consequence: synonymous variant.
Genome position (GRCh38, 1-based): chr8:119,103,825, C>T. VCF-style: chr8-119103825-C-T. GRCh37 (hg19) VCF-style: chr8-120116064-C-T.
Other names: c.165C>T, p.Tyr55= (NM_001324095.2).
Identifiers: ClinVar variation 3389175 (VCV003389175.14).